The following is an entry in ClinVar:

NM_007186.6(CEP250):c.2604G>C (p.Trp868Cys)

Genes: CEP250 (centrosomal protein 250; plus strand), CEP250-AS1 (CEP250 antisense RNA 1; minus strand). Cytogenetic location: 20q11.22.
Variant type: single nucleotide variant.
Coding change: c.2604G>C on transcript NM_007186.6 (MANE Select); coding-DNA position 2604, G replaced by C.
Protein change: p.Trp868Cys; replaces tryptophan 868 with cysteine.
Molecular consequence: missense variant.
Genome position (GRCh38, 1-based): chr20:35,490,654, G>C. VCF-style: chr20-35490654-G-C. GRCh37 (hg19) VCF-style: chr20-34078480-G-C.
Other names: c.708G>C, p.Trp236Cys (NM_001318219.1); short protein forms W868C, W236C.
Identifiers: ClinVar variation 1394156 (VCV001394156.6), dbSNP rs2147033410, ClinGen allele CA408738811.

ClinVar aggregate classification (germline): Uncertain significance (1 of 4 stars; one submission).

Submission:

Labcorp Genetics (formerly Invitae), Labcorp
Classification: Uncertain significance. Last evaluated: 2021-11-19. Review status: criteria provided, single submitter. Criteria: Invitae Variant Classification Sherloc (09022015). Collection method: clinical testing. Allele origin: germline.
Comment: In summary, the available evidence is currently insufficient to determine the role of this variant in disease. Therefore, it has been classified as a Variant of Uncertain Significance. Algorithms developed to predict the effect of missense changes on protein structure and function output the following: SIFT: "Not Available"; PolyPhen-2: "Benign"; Align-GVGD: "Not Available". The cysteine amino acid residue is found in multiple mammalian species, which suggests that this missense change does not adversely affect protein function. This variant has not been reported in the literature in individuals affected with CEP250-related conditions. This variant is not present in population databases (gnomAD no frequency). This sequence change replaces tryptophan, which is neutral and slightly polar, with cysteine, which is neutral and slightly polar, at codon 868 of the CEP250 protein (p.Trp868Cys).